The following is an entry in ClinVar:

NM_000064.4(C3):c.4029+6G>A

Gene: C3 (complement C3; minus strand). Cytogenetic location: 19p13.3.
Variant type: single nucleotide variant.
Coding change: c.4029+6G>A on transcript NM_000064.4 (MANE Select); 6 bases into the intron after coding-DNA position 4029, G replaced by A.
Molecular consequence: intron variant.
Genome position (GRCh38, 1-based): chr19:6,684,769, C>T on the plus strand (G>A on the coding strand, the complement: C3 is on the minus strand). VCF-style: chr19-6684769-C-T. GRCh37 (hg19) VCF-style: chr19-6684780-C-T.
Identifiers: ClinVar variation 1371010 (VCV001371010.6), dbSNP rs1484950547, ClinGen allele CA631722260.

ClinVar aggregate classification (germline): Uncertain significance (1 of 4 stars; one submission).

Allele frequency attached by ClinVar (database versions not stated): gnomAD 0.00001; gnomAD exomes 0.00001; TOPMed 0.00002.
gnomAD v4.1: 12 of 1,614,002 alleles (0.00074%); highest among the groups gnomAD compares: East Asian, 0.0022%; no homozygotes.

Submission:

Labcorp Genetics (formerly Invitae), Labcorp
Classification: Uncertain significance. Last evaluated: 2025-12-15. Review status: criteria provided, single submitter. Criteria: Invitae Variant Classification Sherloc (09022015). Collection method: clinical testing. Allele origin: germline.
Comment: This sequence change falls in intron 31 of the C3 gene. It does not directly change the encoded amino acid sequence of the C3 protein. It affects a nucleotide within the consensus splice site. This variant is present in population databases (no rsID available, gnomAD 0.003%). This variant has not been reported in the literature in individuals affected with C3-related conditions. ClinVar contains an entry for this variant (Variation ID: 1371010). Variants that disrupt the consensus splice site are a relatively common cause of aberrant splicing (PMID: 17576681, 9536098). Algorithms developed to predict the effect of sequence changes on RNA splicing suggest that this variant is not likely to affect RNA splicing. In summary, the available evidence is currently insufficient to determine the role of this variant in disease. Therefore, it has been classified as a Variant of Uncertain Significance.

Literature cited by the submitters: PubMed 17576681; PubMed 9536098.